The following is an entry in ClinVar:

ClinVar aggregate classification (germline): Likely benign (1 of 4 stars; one submission).

Allele frequency attached by ClinVar (database versions not stated): TOPMed 0.00008; gnomAD exomes 0.00009; gnomAD 0.00010.
gnomAD v4.1: 91 of 983,762 alleles (0.0093%); highest among the groups gnomAD compares: Middle Eastern, 0.31%; 1 homozygote.

Submission:

CeGaT Center for Human Genetics Tuebingen
Classification: Likely benign. Last evaluated: 2026-07-01. Review status: criteria provided, single submitter. Criteria: CeGaT Center For Human Genetics Tuebingen Variant Classification Criteria Version 2. Collection method: clinical testing. Allele origin: germline. Affected: yes. Observed: 3 variant alleles.
Comment: KIDINS220: BP4, BP7

NM_020738.4(KIDINS220):c.3586-3183G>A

Gene: KIDINS220 (kinase D interacting substrate 220; minus strand). Cytogenetic location: 2p25.1.
Variant type: single nucleotide variant.
Coding change: c.3586-3183G>A on transcript NM_020738.4 (MANE Select); 3183 bases into the intron before coding-DNA position 3586, G replaced by A.
Molecular consequence: intron variant.
Genome position (GRCh38, 1-based): chr2:8,740,182, C>T on the plus strand (G>A on the coding strand, the complement: KIDINS220 is on the minus strand). VCF-style: chr2-8740182-C-T. GRCh37 (hg19) VCF-style: chr2-8880312-C-T.
Other names: c.3415-3183G>A (NM_001348741.2, NM_001348742.2, NM_001348743.2 and 1 more transcripts); c.3529-3183G>A (NM_001348738.2, NM_001348732.2); c.3418-3183G>A (NM_001348739.2, NM_001348740.2, NM_001348734.2); c.3532-3183G>A (NM_001348731.2); c.3589-3183G>A (NM_001348729.2); c.3289-3183G>A (NM_001348736.2).
Identifiers: ClinVar variation 2650651 (VCV002650651.24), dbSNP rs757845517, ClinGen allele CA42331529.